The following is an entry in ClinVar:

ClinVar aggregate classification (germline): Uncertain significance. Review status: criteria provided, multiple submitters, no conflicts (2 of 4 stars). 3 submissions from 3 submitters: Uncertain significance (3). Last evaluated 2025-11-24.

Conditions:
Hereditary cancer-predisposing syndrome. Also called: Neoplastic Syndromes, Hereditary; Tumor predisposition; Hereditary neoplastic syndrome; Hereditary Cancer Syndrome. Identifiers: Orphanet 140162, MedGen C0027672, MeSH D009386, MONDO:0015356.
Familial thoracic aortic aneurysm and aortic dissection (TAAD). Also called: Thoracic aortic aneurysms and dissections. Identifiers: Orphanet 91387, MedGen C4707243, MONDO:0019625.
Juvenile polyposis syndrome (JPS). Identifiers: Orphanet 2929, MedGen C0345893, MONDO:0017380, OMIM 174900.

Submissions (3):

Labcorp Genetics (formerly Invitae), Labcorp
Classification: Uncertain significance for Juvenile polyposis syndrome. Last evaluated: 2025-11-24. Review status: criteria provided, single submitter. Criteria: Invitae Variant Classification Sherloc (09022015). Collection method: clinical testing. Allele origin: germline.
Comment: This sequence change replaces glycine, which is neutral and non-polar, with aspartic acid, which is acidic and polar, at codon 286 of the SMAD4 protein (p.Gly286Asp). This variant is not present in population databases (gnomAD no frequency). This variant has not been reported in the literature in individuals affected with SMAD4-related conditions. ClinVar contains an entry for this variant (Variation ID: 1763915). Invitae Evidence Modeling of protein sequence and biophysical properties (such as structural, functional, and spatial information, amino acid conservation, physicochemical variation, residue mobility, and thermodynamic stability) has been performed for this missense variant. However, the output from this modeling did not meet the statistical confidence thresholds required to predict the impact of this variant on SMAD4 protein function. In summary, the available evidence is currently insufficient to determine the role of this variant in disease. Therefore, it has been classified as a Variant of Uncertain Significance.

Color Diagnostics, LLC DBA Color Health
Classification: Uncertain significance for Hereditary cancer-predisposing syndrome. Last evaluated: 2025-05-28. Review status: criteria provided, single submitter. Criteria: ACMG Guidelines, 2015. Collection method: clinical testing. Allele origin: germline.
Comment: This missense variant replaces glycine with aspartic acid at codon 286 of the SMAD4 protein. Computational prediction suggests that this variant may not impact protein structure and function. To our knowledge, functional studies have not been reported for this variant. This variant has not been reported in individuals affected with SMAD4-related disorders in the literature. This variant has not been identified in the general population by the Genome Aggregation Database (gnomAD). The available evidence is insufficient to determine the role of this variant in disease conclusively. Therefore, this variant is classified as a Variant of Uncertain Significance.

Ambry Genetics
Classification: Uncertain significance for Hereditary cancer-predisposing syndrome; Familial thoracic aortic aneurysm and aortic dissection. Last evaluated: 2023-11-01. Review status: criteria provided, single submitter. Criteria: Ambry Variant Classification Scheme 2023. Collection method: clinical testing. Allele origin: germline.
Comment: The p.G286D variant (also known as c.857G>A), located in coding exon 6 of the SMAD4 gene, results from a G to A substitution at nucleotide position 857. The glycine at codon 286 is replaced by aspartic acid, an amino acid with similar properties. This amino acid position is highly conserved in available vertebrate species. In addition, this alteration is predicted to be deleterious by in silico analysis. Since supporting evidence is limited at this time, the clinical significance of this alteration remains unclear.

NM_005359.6(SMAD4):c.857G>A (p.Gly286Asp)

Gene: SMAD4 (SMAD family member 4; plus strand). Cytogenetic location: 18q21.2.
Variant type: single nucleotide variant.
Coding change: c.857G>A on transcript NM_005359.6 (MANE Select); coding-DNA position 857, G replaced by A.
Protein change: p.Gly286Asp; replaces glycine 286 with aspartic acid.
Molecular consequence: missense variant.
Genome position (GRCh38, 1-based): chr18:51,058,409, G>A. VCF-style: chr18-51058409-G-A. GRCh37 (hg19) VCF-style: chr18-48584779-G-A.
Other names: c.857G>A, p.Gly286Asp (NM_001407041.1, NM_001407042.1, NM_001407043.1); short protein forms G286D.
Identifiers: ClinVar variation 1763915 (VCV001763915.4), dbSNP rs2511377337, ClinGen allele CA402463521.